The following is an entry in ClinVar:

ClinVar aggregate classification (germline): Pathogenic (1 of 4 stars; one submission).

Conditions:
Autosomal recessive limb-girdle muscular dystrophy type 2O. Also called: Limb-Girdle Muscular Dystrophy Type 3C; MUSCULAR DYSTROPHY-DYSTROGLYCANOPATHY (LIMB-GIRDLE), TYPE C, 3; MUSCULAR DYSTROPHY-DYSTROGLYCANOPATHY, LIMB-GIRDLE, POMGNT1-RELATED. Identifiers: Orphanet 206564, MedGen C3150417, MONDO:0013161, OMIM 613157.
Muscular dystrophy-dystroglycanopathy (congenital with impaired intellectual development), type B, 3. Also called: Muscular dystrophy-dystroglycanopathy (congenital with intellectual disability), type B3; MUSCULAR DYSTROPHY, CONGENITAL, POMGNT1-RELATED. Identifiers: MedGen C3150412, MONDO:0013155, OMIM 613151.

Submission:

Labcorp Genetics (formerly Invitae), Labcorp
Classification: Pathogenic for Autosomal recessive limb-girdle muscular dystrophy type 2O; Muscular dystrophy-dystroglycanopathy (congenital with impaired intellectual development), type B, 3. Last evaluated: 2023-09-15. Review status: criteria provided, single submitter. Criteria: Invitae Variant Classification Sherloc (09022015). Collection method: clinical testing. Allele origin: germline.
Comment: This variant is not present in population databases (gnomAD no frequency). This variant has not been reported in the literature in individuals affected with POMGNT1-related conditions. ClinVar contains an entry for this variant (Variation ID: 1452264). For these reasons, this variant has been classified as Pathogenic. This sequence change creates a premature translational stop signal (p.Cys596*) in the POMGNT1 gene. It is expected to result in an absent or disrupted protein product. Loss-of-function variants in POMGNT1 are known to be pathogenic (PMID: 19299310, 20816175, 21447391, 26908613, 27391550).

Literature cited by the submitters: PubMed 19299310; PubMed 20816175; PubMed 21447391; PubMed 26908613; PubMed 27391550.

NM_017739.4(POMGNT1):c.1788C>A (p.Cys596Ter)

Genes: POMGNT1 (protein O-linked mannose N-acetylglucosaminyltransferase 1 (beta 1,2-); minus strand), TSPAN1 (tetraspanin 1; plus strand). Cytogenetic location: 1p34.1.
Variant type: single nucleotide variant.
Coding change: c.1788C>A on transcript NM_017739.4 (MANE Select); coding-DNA position 1788, C replaced by A.
Protein change: p.Cys596Ter; replaces cysteine 596 with a stop codon.
Molecular consequence: nonsense.
Genome position (GRCh38, 1-based): chr1:46,189,565, G>T on the plus strand (C>A on the coding strand, the complement: POMGNT1 is on the minus strand). VCF-style: chr1-46189565-G-T. GRCh37 (hg19) VCF-style: chr1-46655237-G-T.
Other names: c.1788C>A, p.Cys596Ter (NM_001243766.2, NM_001410783.1); c.1722C>A, p.Cys574Ter (NM_001290129.3); c.1359C>A, p.Cys453Ter (NM_001290130.2); short protein forms C453*, C574*, C596*.
Identifiers: ClinVar variation 1452264 (VCV001452264.6), dbSNP rs376973640, ClinGen allele CA340171108.
Genomic context (GRCh38, chr1:46,189,565, plus strand): 5'-CCGAAACAATCTCCACAGGCCCCGATGGTTGCCACGCACATCCAGGTCCCAGATATGGAG[G>T]CACTAGTGAGGGTGGGATGGAGACAGAGACATGGGTCAGAGAGCTGTAGGGAGGGGTCAC-3'